The following is an entry in ClinVar:

NM_001194998.2(CEP152):c.4757G>C (p.Arg1586Pro)

Gene: CEP152 (centrosomal protein 152; minus strand). Cytogenetic location: 15q21.1.
Variant type: single nucleotide variant.
Coding change: c.4757G>C on transcript NM_001194998.2 (MANE Select); coding-DNA position 4757, G replaced by C.
Protein change: p.Arg1586Pro; replaces arginine 1586 with proline.
Molecular consequence: missense variant.
Genome position (GRCh38, 1-based): chr15:48,738,625, C>G on the plus strand (G>C on the coding strand, the complement: CEP152 is on the minus strand). VCF-style: chr15-48738625-C-G. GRCh37 (hg19) VCF-style: chr15-49030822-C-G.
Other names: c.4757G>C (NM_001194998.1); c.4589G>C, p.Arg1530Pro (NM_014985.4); short protein forms R1530P, R1586P.
Identifiers: ClinVar variation 384842 (VCV000384842.21), dbSNP rs202237336, ClinGen allele CA7548044.

ClinVar aggregate classification (germline): Conflicting classifications of pathogenicity. Review status: criteria provided, conflicting classifications (1 of 4 stars). 7 submissions from 6 submitters: Uncertain significance (1); Benign (1); Likely benign (4). 1 of the submissions does not count toward it. Last evaluated 2026-01-31.

Conditions:
Seckel syndrome 5 (SCKL5). Identifiers: Orphanet 808, MedGen C3151187, MONDO:0013443, OMIM 613823.
Microcephaly 9, primary, autosomal recessive. Identifiers: Orphanet 2512, MedGen C3553886, MONDO:0013923, OMIM 614852.
CEP152-related disorder. Also called: CEP152-related disorders; CEP152-related condition. Identifiers: MedGen CN239248.

Allele frequency attached by ClinVar (database versions not stated): ESP Exome Variant Server 0.00008; gnomAD 0.00029; TOPMed 0.00039; 1000 Genomes Project 30x 0.00172; 1000 Genomes Project 0.00200.
gnomAD v4.1: 270 of 1,614,144 alleles (0.017%); highest among the groups gnomAD compares: East Asian, 0.44%; no homozygotes.

Submissions (7):

Labcorp Genetics (formerly Invitae), Labcorp
Classification: Benign. Last evaluated: 2026-01-31. Review status: criteria provided, single submitter. Criteria: Invitae Variant Classification Sherloc (09022015). Collection method: clinical testing. Allele origin: germline.

Blueprint Genetics
Classification: Likely benign. Last evaluated: 2024-04-26. Review status: criteria provided, single submitter. Criteria: ACMG Guidelines, 2015. Collection method: clinical testing. Allele origin: germline.

Illumina Laboratory Services, Illumina
Classification: Uncertain significance for Microcephaly 9, primary, autosomal recessive. Last evaluated: 2018-01-12. Review status: criteria provided, single submitter. Criteria: ICSL Variant Classification Criteria 13 December 2019. Collection method: clinical testing. Allele origin: germline.

Illumina Laboratory Services, Illumina
Classification: Likely benign for Seckel syndrome 5. Last evaluated: 2018-01-12. Review status: criteria provided, single submitter. Criteria: ICSL Variant Classification Criteria 13 December 2019. Collection method: clinical testing. Allele origin: germline.
Comment: This variant was observed in the ICSL laboratory as part of a predisposition screen in an ostensibly healthy population. It had not been previously curated by ICSL or reported in the Human Gene Mutation Database (HGMD: prior to June 1st, 2018), and was therefore a candidate for classification through an automated scoring system. Utilizing variant allele frequency, disease prevalence and penetrance estimates, and inheritance mode, an automated score was calculated to assess if this variant is too frequent to cause the disease. Based on the score and internal cut-off values, a variant classified as likely benign is not then subjected to further curation. The score for this variant resulted in a classification of likely benign for this disease.

Genetic Services Laboratory, University of Chicago
Classification: Likely benign. Last evaluated: 2016-07-01. Review status: criteria provided, single submitter. Criteria: ACMG Guidelines, 2015. Collection method: clinical testing. Allele origin: germline. Affected: no.

GeneDx
Classification: Likely benign. Last evaluated: 2016-03-28. Review status: criteria provided, single submitter. Criteria: GeneDx Variant Classification (06012015). Collection method: clinical testing. Allele origin: germline. Affected: yes.
Comment: This variant is considered likely benign or benign based on one or more of the following criteria: it is a conservative change, it occurs at a poorly conserved position in the protein, it is predicted to be benign by multiple in silico algorithms, and/or has population frequency not consistent with disease.

PreventionGenetics, part of Exact Sciences
Classification: Benign for CEP152-related condition. Last evaluated: 2019-12-06. Review status: no assertion criteria provided. Collection method: clinical testing. Allele origin: germline. Not counted in ClinVar's aggregate classification.
Comment: This variant is classified as benign based on ACMG/AMP sequence variant interpretation guidelines (Richards et al. 2015 PMID: 25741868, with internal and published modifications).